The following is an entry in ClinVar:

NM_000548.5(TSC2):c.3254C>T (p.Ser1085Leu)

Gene: TSC2 (TSC complex subunit 2; plus strand). Cytogenetic location: 16p13.3.
Variant type: single nucleotide variant.
Coding change: c.3254C>T on transcript NM_000548.5 (MANE Select); coding-DNA position 3254, C replaced by T.
Protein change: p.Ser1085Leu; replaces serine 1085 with leucine.
Molecular consequence: missense variant.
Genome position (GRCh38, 1-based): chr16:2,079,398, C>T. VCF-style: chr16-2079398-C-T. GRCh37 (hg19) VCF-style: chr16-2129399-C-T.
Other names: c.3254C>T (NM_000548.4); c.3122C>T, p.Ser1041Leu (NM_001077183.3, NM_001370404.1); c.3254C>T, p.Ser1085Leu (NM_001114382.3); c.3014C>T, p.Ser1005Leu (NM_001318827.2); c.2978C>T, p.Ser993Leu (NM_001318829.2); c.2522C>T, p.Ser841Leu (NM_001318831.2); c.3155C>T, p.Ser1052Leu (NM_001318832.2); c.3125C>T, p.Ser1042Leu (NM_001363528.2, NM_001370405.1, NM_021055.3); short protein forms S1085L, S1005L, S1041L, S841L, S1042L, S993L, S1052L.
Identifiers: ClinVar variation 406094 (VCV000406094.20), dbSNP rs45517287, ClinGen allele CA16614705.

ClinVar aggregate classification (germline): Conflicting classifications of pathogenicity. Review status: criteria provided, conflicting classifications (1 of 4 stars). 4 submissions from 4 submitters: Uncertain significance (1); Benign (1); Likely benign (1). 1 of the submissions does not count toward it. Last evaluated 2026-02-03.

Conditions:
TSC2-related disorder. Also called: TSC2-Related Disorders; TSC2-related condition.
Hereditary cancer-predisposing syndrome. Also called: Tumor predisposition; Neoplastic Syndromes, Hereditary; Hereditary Cancer Syndrome; Hereditary neoplastic syndrome. Identifiers: Orphanet 140162, MedGen C0027672, MeSH D009386, MONDO:0015356.
Tuberous sclerosis 2 (TSC2). Identifiers: Orphanet 805, MedGen C1860707, MONDO:0013199, OMIM 613254.

Allele frequency attached by ClinVar (database versions not stated): gnomAD exomes below 0.00001; TOPMed 0.00002; gnomAD 0.00003.
gnomAD v4.1: 31 of 1,612,666 alleles (0.0019%); highest among the groups gnomAD compares: South Asian, 0.0044%; no homozygotes.

Submissions (4):

Labcorp Genetics (formerly Invitae), Labcorp
Classification: Benign for Tuberous sclerosis 2. Last evaluated: 2026-02-03. Review status: criteria provided, single submitter. Criteria: Invitae Variant Classification Sherloc (09022015). Collection method: clinical testing. Allele origin: germline.

Ambry Genetics
Classification: Uncertain significance for Hereditary cancer-predisposing syndrome. Last evaluated: 2024-06-28. Review status: criteria provided, single submitter. Criteria: Ambry Variant Classification Scheme 2023. Collection method: clinical testing. Allele origin: germline.
Comment: The p.S1085L variant (also known as c.3254C>T), located in coding exon 27 of the TSC2 gene, results from a C to T substitution at nucleotide position 3254. The serine at codon 1085 is replaced by leucine, an amino acid with dissimilar properties. This amino acid position is not well conserved in available vertebrate species. In addition, the in silico prediction for this alteration is inconclusive. Since supporting evidence is limited at this time, the clinical significance of this alteration remains unclear.

Genome-Nilou Lab
Classification: Likely benign for Tuberous sclerosis 2. Last evaluated: 2021-11-07. Review status: criteria provided, single submitter. Criteria: ACMG Guidelines, 2015. Collection method: clinical testing. Allele origin: germline. Affected: no.

PreventionGenetics, part of Exact Sciences
Classification: Uncertain significance for TSC2-related condition. Last evaluated: 2024-05-29. Review status: no assertion criteria provided. Collection method: clinical testing. Allele origin: germline. Not counted in ClinVar's aggregate classification.
Comment: The TSC2 c.3254C>T variant is predicted to result in the amino acid substitution p.Ser1085Leu. This variant was reported as a variant of uncertain significance in an individual with epilepsy (Atli et al. 2021. PubMed ID: 33528079). This variant is reported in 0.0033% of alleles in individuals of South Asian descent in gnomAD and has conflicting interpretations of pathogenicity in ClinVar ranging from benign to uncertain. At this time, the clinical significance of this variant is uncertain due to the absence of conclusive functional and genetic evidence.